The following is an entry in ClinVar:

NM_198576.4(AGRN):c.1342C>T (p.Arg448Trp)

Gene: AGRN (agrin; plus strand). Cytogenetic location: 1p36.33.
Variant type: single nucleotide variant.
Coding change: c.1342C>T on transcript NM_198576.4 (MANE Select); coding-DNA position 1342, C replaced by T.
Protein change: p.Arg448Trp; replaces arginine 448 with tryptophan.
Molecular consequence: missense variant.
Genome position (GRCh38, 1-based): chr1:1,042,120, C>T. VCF-style: chr1-1042120-C-T. GRCh37 (hg19) VCF-style: chr1-977500-C-T.
Other names: c.1342C>T, p.Arg448Trp (NM_001305275.2); c.1027C>T, p.Arg343Trp (NM_001364727.2); short protein forms R448W, R343W.
Identifiers: ClinVar variation 647215 (VCV000647215.6), dbSNP rs146770768, ClinGen allele CA508115.

ClinVar aggregate classification (germline): Uncertain significance (1 of 4 stars; one submission).

Conditions:
Congenital myasthenic syndrome 8. Also called: Myasthenic syndrome, congenital, 8, with pre- and postsynaptic defects; MYASTHENIC SYNDROME, CONGENITAL, DUE TO AGRIN DEFICIENCY. Identifiers: Orphanet 590, MedGen C3808739, MONDO:0014052, OMIM 615120.

Allele frequency attached by ClinVar (database versions not stated): gnomAD 0.00015 and 0.00016; ExAC 0.00004; gnomAD exomes 0.00005; ESP Exome Variant Server 0.00008; TOPMed 0.00011.
gnomAD v4.1: 72 of 1,600,848 alleles (0.0045%); highest among the groups gnomAD compares: African/African-American, 0.029%; no homozygotes.

Submission:

Labcorp Genetics (formerly Invitae), Labcorp
Classification: Uncertain significance for Congenital myasthenic syndrome 8. Last evaluated: 2022-08-15. Review status: criteria provided, single submitter. Criteria: Invitae Variant Classification Sherloc (09022015). Collection method: clinical testing. Allele origin: germline.
Comment: This variant is present in population databases (rs146770768, gnomAD 0.04%). This variant has not been reported in the literature in individuals affected with AGRN-related conditions. ClinVar contains an entry for this variant (Variation ID: 647215). Algorithms developed to predict the effect of missense changes on protein structure and function are either unavailable or do not agree on the potential impact of this missense change (SIFT: "Tolerated"; PolyPhen-2: "Possibly Damaging"; Align-GVGD: "Class C0"). In summary, the available evidence is currently insufficient to determine the role of this variant in disease. Therefore, it has been classified as a Variant of Uncertain Significance. This sequence change replaces arginine, which is basic and polar, with tryptophan, which is neutral and slightly polar, at codon 448 of the AGRN protein (p.Arg448Trp).